The following is an entry in ClinVar:

NM_130839.5(UBE3A):c.373T>C (p.Leu125=)

Genes: SNHG14 (small nucleolar RNA host gene 14; plus strand), UBE3A (ubiquitin protein ligase E3A; minus strand). Cytogenetic location: 15q11.2.
Variant type: single nucleotide variant.
Coding change: c.373T>C on transcript NM_130839.5 (MANE Select); coding-DNA position 373, T replaced by C.
Protein change: p.Leu125=; no amino-acid change (leucine 125 retained).
Molecular consequence: synonymous variant. On other transcripts: non-coding transcript variant (1), intron variant (2).
Genome position (GRCh38, 1-based): chr15:25,371,801, A>G on the plus strand (T>C on the coding strand, the complement: UBE3A is on the minus strand). VCF-style: chr15-25371801-A-G. GRCh37 (hg19) VCF-style: chr15-25616948-A-G.
Other names: p.L125L:TTA>CTA; NM_130839.5(UBE3A):c.373T>C; p.Leu125=; p.Leu105=; c.382T>C, p.Leu128= (NM_000462.5); c.373T>C, p.Leu125= (NM_001354505.1, NM_001354538.2, NM_001354545.2); c.313T>C, p.Leu105= (NM_001354506.2, NM_001354507.2, NM_001354508.2 and 17 more transcripts); c.196T>C, p.Leu66= (NM_001354546.2); and 2 more.
Identifiers: ClinVar variation 96263 (VCV000096263.28), dbSNP rs61734190, ClinGen allele CA149410.
Genomic context (GRCh38, chr15:25,371,801, plus strand): 5'-GGGAATAATCCTCTCTTTCTCTACATAATTCAAGAATTTCATATACCTTCTCTTCTGTTA[A>G]GTAAGTCACATCTAGAAAATCAGAGGAAAAAAGAGAACATTTATTTTCATAATATGTATG-3'
Protein context (NP_570854.1, residues 115-135): ARIDFKDVTY[Leu125=]TEEKVYEILE

ClinVar aggregate classification (germline): Benign. Review status: reviewed by expert panel (3 of 4 stars). 9 submissions from 9 submitters: Benign (1). 8 of the submissions do not count toward it. Last evaluated 2022-06-30.

Conditions:
Inborn genetic diseases. Identifiers: MedGen C0950123, MeSH D030342.
Angelman syndrome (AS). Also called: HAPPY PUPPET SYNDROME. Identifiers: Orphanet 72, MedGen C0162635, MONDO:0007113, OMIM 105830. Disease mechanism: loss of function. Inheritance: AS is caused by disruption of maternally imprinted UBE3A located within the 15q11.2-q13 Angelman syndrome/Prader-Willi syndrome (AS/PWS) region., imprinting disorder.

Allele frequency attached by ClinVar (database versions not stated): gnomAD exomes 0.00194 and 0.00561; ExAC 0.00691; gnomAD 0.02155 and 0.02311; ESP Exome Variant Server 0.02226; TOPMed 0.02351; 1000 Genomes Project 0.02496; 1000 Genomes Project 30x 0.02530.
gnomAD v4.1: 6,250 of 1,609,146 alleles (0.39%); highest among the groups gnomAD compares: African/African-American, 7.2%; 220 homozygotes.

Submissions (9):

ClinGen Rett and Angelman-like Disorders Variant Curation Expert Panel
Classification: Benign for Angelman syndrome. Last evaluated: 2022-06-30. Review status: reviewed by expert panel. Criteria: ClinGen RettAS ACMG Specifications V2. Collection method: curation. Allele origin: germline. Inheritance: Autosomal dominant inheritance.
Comment: The allele frequency of the c.313T>C p.(Leu105=) variant in UBE3A (NM_130838.2) is 7.5% in African/African-American sub population in gnomAD, which is high enough to be classified as benign based on thresholds defined by the ClinGen Rett/Angelman-like Expert Panel for Rett/AS-like conditions (BA1). In summary, the c.313T>C p.(Leu105=) variant in UBE3A is classified as Benign based on the ACMG/AMP criteria (BA1).

Labcorp Genetics (formerly Invitae), Labcorp
Classification: Benign for Angelman syndrome. Last evaluated: 2026-02-03. Review status: criteria provided, single submitter. Criteria: Invitae Variant Classification Sherloc (09022015). Collection method: clinical testing. Allele origin: germline. Not counted in ClinVar's aggregate classification.

Mayo Clinic Laboratories, Mayo Clinic
Classification: Benign. Last evaluated: 2018-04-10. Review status: criteria provided, single submitter. Criteria: ACMG Guidelines, 2015. Collection method: clinical testing. Allele origin: germline. Observed: 16 variant alleles. Not counted in ClinVar's aggregate classification.

GeneDx
Classification: Benign. Last evaluated: 2016-06-20. Review status: criteria provided, single submitter. Criteria: GeneDx Variant Classification (06012015). Collection method: clinical testing. Allele origin: germline. Affected: yes. Not counted in ClinVar's aggregate classification.
Comment: This variant is considered likely benign or benign based on one or more of the following criteria: it is a conservative change, it occurs at a poorly conserved position in the protein, it is predicted to be benign by multiple in silico algorithms, and/or has population frequency not consistent with disease.

Ambry Genetics
Classification: Benign for Inborn genetic diseases. Last evaluated: 2016-03-16. Review status: criteria provided, single submitter. Criteria: Ambry Variant Classification Scheme 2023. Collection method: clinical testing. Allele origin: germline. Not counted in ClinVar's aggregate classification.

Eurofins Ntd Llc (ga)
Classification: Benign. Last evaluated: 2015-03-13. Review status: criteria provided, single submitter. Criteria: EGL Classification Definitions 2015. Collection method: clinical testing. Allele origin: germline. Observed: 4 variant alleles, 4 heterozygotes. Not counted in ClinVar's aggregate classification.

Genetic Services Laboratory, University of Chicago
Classification: Benign. Last evaluated: 2013-02-08. Review status: criteria provided, single submitter. Criteria: ACMG Guidelines, 2007. Collection method: clinical testing. Allele origin: germline. Inheritance: Autosomal dominant inheritance. Not counted in ClinVar's aggregate classification.

Breakthrough Genomics
Classification: Benign. Review status: criteria provided, single submitter. Criteria: ACMG Guidelines, 2015. Collection method: not provided. Allele origin: germline. Inheritance: Autosomal dominant inheritance. Affected: yes. Not counted in ClinVar's aggregate classification.

Baylor Genetics
Classification: Uncertain significance for Angelman syndrome. Last evaluated: 2014-02-14. Review status: no assertion criteria provided. Collection method: clinical testing. Allele origin: paternal. Affected: yes. Observed: 9 variant alleles. Study: UBE3A Mutation Study. Not counted in ClinVar's aggregate classification.
Comment: possible diagnosis of Angelman syndrome

MAF 0.017

Data collected from clinical UBE3A sequence analysis results

Literature cited by the submitters: PubMed 25212744 (cited by Baylor Genetics).